The following is an entry in ClinVar:

ClinVar aggregate classification (germline): Benign/Likely benign. Review status: criteria provided, multiple submitters, no conflicts (2 of 4 stars). 2 submissions from 2 submitters: Benign (1); Likely benign (1). Last evaluated 2025-09-26.

Conditions:
IMPG2-related disorder. Also called: IMPG2-related condition.

Submissions (2):

Labcorp Genetics (formerly Invitae), Labcorp
Classification: Benign. Last evaluated: 2025-09-26. Review status: criteria provided, single submitter. Criteria: Invitae Variant Classification Sherloc (09022015). Collection method: clinical testing. Allele origin: germline.

PreventionGenetics, part of Exact Sciences
Classification: Likely benign for IMPG2-related condition. Last evaluated: 2024-10-16. Review status: criteria provided, single submitter. Criteria: ACMG Guidelines, 2015. Collection method: clinical testing. Allele origin: germline.
Comment: This variant is classified as likely benign based on ACMG/AMP sequence variant interpretation guidelines (Richards et al. 2015 PMID: 25741868, with internal and published modifications).

NM_016247.4(IMPG2):c.1239+10del

Gene: IMPG2 (interphotoreceptor matrix proteoglycan 2; minus strand). Cytogenetic location: 3q12.3.
Variant type: Deletion.
Coding change: c.1239+10del on transcript NM_016247.4 (MANE Select); 10 bases into the intron after coding-DNA position 1239, one base deleted (T; older notation c.1239+10delT).
Molecular consequence: intron variant.
Genome position (GRCh38, 1-based): chr3:101,253,686, A deleted on the plus strand (T on the coding strand, the reverse complement: IMPG2 is on the minus strand); the first of 5 consecutive A bases (chr3:101,253,686-101,253,690); deleting any one gives the same sequence. VCF-style (leftmost placement, unchanged base first): chr3-101253685-TA-T. GRCh37 (hg19) VCF-style: chr3-100972529-TA-T.
Other names: c.1239+10delT (NM_016247.3).
Identifiers: ClinVar variation 1622194 (VCV001622194.9), dbSNP rs751135558, ClinGen allele CA2519237.
Genomic context (GRCh38, chr3:101,253,685, plus strand): 5'-AAGTAAGCAGGTGCAGGAAGAAAGAAGAGAAGCTTGAGGGCCTGGTTCTAGCATAAAACA[TA>T]AAAACATACCAGAATAGATGACGGCGTTGCCTGAAGACTTGAACTTTGGGTGTTCCAAAC-3'